The following is an entry in ClinVar:

ClinVar aggregate classification (germline): Likely benign (1 of 4 stars; one submission).

Allele frequency attached by ClinVar (database versions not stated): ExAC 0.04748; 1000 Genomes Project 30x 0.05403.

Submission:

CeGaT Center for Human Genetics Tuebingen
Classification: Likely benign. Last evaluated: 2022-12-01. Review status: criteria provided, single submitter. Criteria: CeGaT Center For Human Genetics Tuebingen Variant Classification Criteria Version 2. Collection method: clinical testing. Allele origin: germline. Affected: yes. Observed: 2 variant alleles.
Comment: ANKRD36: BP4, BP7

NM_001354587.1(ANKRD36):c.1212C>T (p.Asp404=)

Gene: ANKRD36 (ankyrin repeat domain 36; plus strand). Cytogenetic location: 2q11.2.
Variant type: single nucleotide variant.
Coding change: c.1212C>T on transcript NM_001354587.1 (MANE Select); coding-DNA position 1212, C replaced by T.
Protein change: p.Asp404=; no amino-acid change (aspartic acid 404 retained).
Molecular consequence: synonymous variant.
Genome position (GRCh38, 1-based): chr2:97,154,693, C>T. VCF-style: chr2-97154693-C-T. GRCh37 (hg19) VCF-style: chr2-97820430-C-T.
Identifiers: ClinVar variation 2651160 (VCV002651160.22), dbSNP rs776281681, ClinGen allele CA1786859.